The following is an entry in ClinVar:

ClinVar aggregate classification (germline): Likely benign. Review status: criteria provided, multiple submitters, no conflicts (2 of 4 stars). 2 submissions from 2 submitters: Likely benign (2). Last evaluated 2024-08-13.

Conditions:
Wilson disease (WND). Also called: Wilson's disease. Identifiers: Orphanet 905, MedGen C0019202, MONDO:0010200, OMIM 277900. Disease mechanism: loss of function.

Submissions (2):

All of Us Research Program, National Institutes of Health
Classification: Likely benign for Wilson disease. Last evaluated: 2024-08-13. Review status: criteria provided, single submitter. Criteria: ACMG Guidelines, 2015. Collection method: clinical testing. Allele origin: germline. Inheritance: Autosomal recessive inheritance. Observed: 2 variant alleles, 2 heterozygotes.
Comment: This study involves interpretation of variants in research participants for the purpose of population health screening. Participant phenotype was not available at the time of variant classification. Additional details can be found in publication PMID: 35346344, PMCID: PMC8962531

Labcorp Genetics (formerly Invitae), Labcorp
Classification: Likely benign for Wilson disease. Last evaluated: 2023-09-12. Review status: criteria provided, single submitter. Criteria: Invitae Variant Classification Sherloc (09022015). Collection method: clinical testing. Allele origin: germline.

NM_000053.4(ATP7B):c.3738G>C (p.Ser1246=)

Gene: ATP7B (ATPase copper transporting beta; minus strand). Cytogenetic location: 13q14.3.
Variant type: single nucleotide variant.
Coding change: c.3738G>C on transcript NM_000053.4 (MANE Select); coding-DNA position 3738, G replaced by C.
Protein change: p.Ser1246=; no amino-acid change (serine 1246 retained).
Molecular consequence: synonymous variant.
Genome position (GRCh38, 1-based): chr13:51,937,641, C>G on the plus strand (G>C on the coding strand, the complement: ATP7B is on the minus strand). VCF-style: chr13-51937641-C-G. GRCh37 (hg19) VCF-style: chr13-52511777-C-G.
Other names: c.3117G>C, p.Ser1039= (NM_001005918.3); c.3405G>C, p.Ser1135= (NM_001243182.2); c.3504G>C, p.Ser1168= (NM_001330578.2); c.3486G>C, p.Ser1162= (NM_001330579.2).
Identifiers: ClinVar variation 1129693 (VCV001129693.11), dbSNP rs376369653, ClinGen allele CA484024706.